The following is an entry in ClinVar:

NM_001853.4(COL9A3):c.927T>A (p.Asn309Lys)

Gene: COL9A3 (collagen type IX alpha 3 chain; plus strand). Cytogenetic location: 20q13.33.
Variant type: single nucleotide variant.
Coding change: c.927T>A on transcript NM_001853.4 (MANE Select); coding-DNA position 927, T replaced by A.
Protein change: p.Asn309Lys; replaces asparagine 309 with lysine.
Molecular consequence: missense variant.
Genome position (GRCh38, 1-based): chr20:62,828,790, T>A. VCF-style: chr20-62828790-T-A. GRCh37 (hg19) VCF-style: chr20-61460142-T-A.
Other names: short protein forms N309K.
Identifiers: ClinVar variation 2101326 (VCV002101326.4), dbSNP rs2516054642, ClinGen allele CA409593068.

ClinVar aggregate classification (germline): Uncertain significance (1 of 4 stars; one submission).

Submission:

Labcorp Genetics (formerly Invitae), Labcorp
Classification: Uncertain significance. Last evaluated: 2022-02-21. Review status: criteria provided, single submitter. Criteria: Invitae Variant Classification Sherloc (09022015). Collection method: clinical testing. Allele origin: germline.
Comment: This sequence change replaces asparagine, which is neutral and polar, with lysine, which is basic and polar, at codon 309 of the COL9A3 protein (p.Asn309Lys). This variant is not present in population databases (gnomAD no frequency). This variant has not been reported in the literature in individuals affected with COL9A3-related conditions. Advanced modeling of protein sequence and biophysical properties (such as structural, functional, and spatial information, amino acid conservation, physicochemical variation, residue mobility, and thermodynamic stability) performed at Invitae indicates that this missense variant is not expected to disrupt COL9A3 protein function. In summary, the available evidence is currently insufficient to determine the role of this variant in disease. Therefore, it has been classified as a Variant of Uncertain Significance.